The following is an entry in ClinVar:

NM_000132.4(F8):c.3203del (p.Arg1068fs)

Gene: F8 (coagulation factor VIII; minus strand). Cytogenetic location: Xq28.
Variant type: Deletion.
Coding change: c.3203del on transcript NM_000132.4 (MANE Select); coding-DNA position 3203, one base deleted (G; older notation c.3203delG).
Protein change: p.Arg1068fs; shifts the reading frame from arginine 1068.
Molecular consequence: frameshift variant.
Genome position (GRCh38, 1-based): chrX:154,930,587, C deleted on the plus strand (G on the coding strand, the reverse complement: F8 is on the minus strand). VCF-style (leftmost placement, unchanged base first): chrX-154930586-TC-T. GRCh37 (hg19) VCF-style: chrX-154158861-TC-T.
Other names: p.Arg1068Lysfs*11; short protein forms R1068fs.
Identifiers: ClinVar variation 3380941 (VCV003380941.1).

ClinVar aggregate classification (germline): Likely pathogenic (1 of 4 stars; one submission).

Submission:

Mayo Clinic Laboratories, Mayo Clinic
Classification: Likely pathogenic. Last evaluated: 2023-08-15. Review status: criteria provided, single submitter. Criteria: ACMG Guidelines, 2015. Collection method: clinical testing. Allele origin: germline. Observed: 1 variant allele.
Comment: PM2_moderate, PVS1